The following is an entry in ClinVar:

ClinVar aggregate classification (germline): Uncertain significance (1 of 4 stars; one submission).

Conditions:
BBS1-related disorder. Also called: BBS1-related condition.

gnomAD v4.1: 3 of 1,614,206 alleles (0.00019%); highest among the groups gnomAD compares: Admixed American, 0.005%; no homozygotes.

Submission:

PreventionGenetics, part of Exact Sciences
Classification: Uncertain significance for BBS1-related condition. Last evaluated: 2024-12-16. Review status: criteria provided, single submitter. Criteria: ACMG Guidelines, 2015. Collection method: clinical testing. Allele origin: germline.
Comment: The BBS1 c.281T>C variant is predicted to result in the amino acid substitution p.Met94Thr. To our knowledge, this variant has not been reported in the literature. This variant is reported in 0.0087% of alleles in individuals of Latino descent in gnomAD. At this time, the clinical significance of this variant is uncertain due to the absence of conclusive functional and genetic evidence.

NM_024649.5(BBS1):c.281T>C (p.Met94Thr)

Gene: BBS1 (Bardet-Biedl syndrome 1; plus strand). Cytogenetic location: 11q13.2.
Variant type: single nucleotide variant.
Coding change: c.281T>C on transcript NM_024649.5 (MANE Select); coding-DNA position 281, T replaced by C.
Protein change: p.Met94Thr; replaces methionine 94 with threonine.
Molecular consequence: missense variant.
Genome position (GRCh38, 1-based): chr11:66,514,527, T>C. VCF-style: chr11-66514527-T-C. GRCh37 (hg19) VCF-style: chr11-66281998-T-C.
Other names: short protein forms M94T.
Identifiers: ClinVar variation 4979522 (VCV004979522.1).
Genomic context (GRCh38, chr11:66,514,527, plus strand): 5'-CACTGGTGATGACCGAAAGCCCGCTACCTGCTCTGCCAGCTGCTGCTGCCACCTTCCTCA[T>C]GGAGCAACATGAGCCCCGGACCCCAGCTCTGGCACTTGCTTCAGGCCCTTGTGTCTATGT-3'
Protein context (NP_078925.3, residues 84-104): ALPAAAATFL[Met94Thr]EQHEPRTPAL